The following is an entry in ClinVar:

ClinVar aggregate classification (germline): Pathogenic (1 of 4 stars; one submission).

Conditions:
Cardiovascular phenotype. Identifiers: MedGen CN230736.

Submission:

Ambry Genetics
Classification: Pathogenic for Cardiovascular phenotype. Last evaluated: 2022-02-08. Review status: criteria provided, single submitter. Criteria: Ambry Variant Classification Scheme 2023. Collection method: clinical testing. Allele origin: germline.
Comment: The c.258delG pathogenic mutation, located in coding exon 3 of the ENG gene, results from a deletion of one nucleotide at nucleotide position 258, causing a translational frameshift with a predicted alternate stop codon (p.K86Nfs*16). This variant is considered to be rare based on population cohorts in the Genome Aggregation Database (gnomAD). This alteration is expected to result in loss of function by premature protein truncation or nonsense-mediated mRNA decay. As such, this alteration is interpreted as a disease-causing mutation.

NM_001114753.3(ENG):c.258del (p.Lys86fs)

Gene: ENG (endoglin; minus strand). Cytogenetic location: 9q34.11.
Variant type: Deletion.
Coding change: c.258del on transcript NM_001114753.3 (MANE Select); coding-DNA position 258, one base deleted (G; older notation c.258delG).
Protein change: p.Lys86fs; shifts the reading frame from lysine 86.
Molecular consequence: frameshift variant. On other transcripts: 5 prime UTR variant (1).
Genome position (GRCh38, 1-based): chr9:127,829,789, C deleted on the plus strand (G on the coding strand, the reverse complement: ENG is on the minus strand). VCF-style (leftmost placement, unchanged base first): chr9-127829788-GC-G. GRCh37 (hg19) VCF-style: chr9-130592067-GC-G.
Other names: c.258delG, p.Lys86Asnfs (NM_000118.4, NM_001406715.1); c.-289del (NM_001278138.2); short protein forms K86fs.
Identifiers: ClinVar variation 1793496 (VCV001793496.2), dbSNP rs2539083284, ClinGen allele CA2580079588.